The following is an entry in ClinVar:

ClinVar aggregate classification (germline): Uncertain significance. Review status: criteria provided, multiple submitters, no conflicts (2 of 4 stars). 2 submissions from 2 submitters: Uncertain significance (2). Last evaluated 2025-06-24.

Conditions:
Hereditary cancer-predisposing syndrome. Also called: Neoplastic Syndromes, Hereditary; Tumor predisposition; Hereditary Cancer Syndrome; Hereditary neoplastic syndrome. Identifiers: Orphanet 140162, MedGen C0027672, MeSH D009386, MONDO:0015356.
Familial adenomatous polyposis 1 (FAP1). Also called: FAMILIAL ADENOMATOUS POLYPOSIS 1, ATTENUATED; POLYPOSIS, ADENOMATOUS INTESTINAL. Identifiers: MedGen C2713442, MONDO:0021056, OMIM 175100. Disease mechanism: loss of function.

Submissions (2):

Labcorp Genetics (formerly Invitae), Labcorp
Classification: Uncertain significance for Familial adenomatous polyposis 1. Last evaluated: 2025-06-24. Review status: criteria provided, single submitter. Criteria: Invitae Variant Classification Sherloc (09022015). Collection method: clinical testing. Allele origin: germline.
Comment: This sequence change replaces arginine, which is basic and polar, with glycine, which is neutral and non-polar, at codon 1786 of the APC protein (p.Arg1786Gly). This variant is not present in population databases (gnomAD no frequency). This variant has not been reported in the literature in individuals affected with APC-related conditions. ClinVar contains an entry for this variant (Variation ID: 482348). Invitae Evidence Modeling of protein sequence and biophysical properties (such as structural, functional, and spatial information, amino acid conservation, physicochemical variation, residue mobility, and thermodynamic stability) indicates that this missense variant is not expected to disrupt APC protein function with a negative predictive value of 95%. In summary, the available evidence is currently insufficient to determine the role of this variant in disease. Therefore, it has been classified as a Variant of Uncertain Significance.

Ambry Genetics
Classification: Uncertain significance for Hereditary cancer-predisposing syndrome. Last evaluated: 2016-04-26. Review status: criteria provided, single submitter. Criteria: Ambry Variant Classification Scheme 2023. Collection method: clinical testing. Allele origin: germline.
Comment: The p.R1786G variant (also known as c.5356A>G), located in coding exon 15 of the APC gene, results from an A to G substitution at nucleotide position 5356. The arginine at codon 1786 is replaced by glycine, an amino acid with dissimilar properties. This variant was not reported in population based cohorts in the following databases: Database of Single Nucleotide Polymorphisms (dbSNP), NHLBI Exome Sequencing Project (ESP), and 1000 Genomes Project. In the ESP, this variant was not observed in 6499 samples (12998 alleles) with coverage at this position. To date, this alteration has been detected with an allele frequency of approximately 0.001% (greater than 70000 alleles tested) in our clinical cohort. This amino acid position is well conserved in available vertebrate species. In addition, in silico predictors for this gene do not accurately predict pathogenicity. Since supporting evidence is limited at this time, the clinical significance of this alteration remains unclear.

NM_000038.6(APC):c.5356A>G (p.Arg1786Gly)

Gene: APC (APC regulator of Wnt signaling pathway; plus strand). Cytogenetic location: 5q22.2.
Variant type: single nucleotide variant.
Coding change: c.5356A>G on transcript NM_000038.6 (MANE Select); coding-DNA position 5356, A replaced by G.
Protein change: p.Arg1786Gly; replaces arginine 1786 with glycine.
Molecular consequence: missense variant.
Genome position (GRCh38, 1-based): chr5:112,840,950, A>G. VCF-style: chr5-112840950-A-G. GRCh37 (hg19) VCF-style: chr5-112176647-A-G.
Other names: c.5356A>G, p.Arg1786Gly (NM_001127510.3, NM_001354895.2); c.5302A>G, p.Arg1768Gly (NM_001127511.3); c.5410A>G, p.Arg1804Gly (NM_001354896.2); c.5386A>G, p.Arg1796Gly (NM_001354897.2); c.5281A>G, p.Arg1761Gly (NM_001354898.2); c.5272A>G, p.Arg1758Gly (NM_001354899.2); c.5233A>G, p.Arg1745Gly (NM_001354900.2); c.5179A>G, p.Arg1727Gly (NM_001354901.2); and 5 more; short protein forms R1786G, R1768G, R1761G, R1503G, R1626G, R1685G, R1796G, R1804G.
Identifiers: ClinVar variation 482348 (VCV000482348.15), dbSNP rs1554086662, ClinGen allele CA16033039.